The following is an entry in ClinVar:

ClinVar aggregate classification (germline): Uncertain significance (1 of 4 stars; one submission).

gnomAD v4.1: 2 of 1,613,842 alleles (0.00012%); highest among the groups gnomAD compares: African/African-American, 0.0013%; no homozygotes.

Submission:

GeneDx
Classification: Uncertain significance. Last evaluated: 2024-09-25. Review status: criteria provided, single submitter. Criteria: GeneDx Variant Classification Process June 2021. Collection method: clinical testing. Allele origin: germline. Affected: yes.
Comment: Not observed at significant frequency in large population cohorts (gnomAD); In silico analysis supports that this missense variant has a deleterious effect on protein structure/function; Has not been previously published as pathogenic or benign to our knowledge

NM_000540.3(RYR1):c.10668C>A (p.Asn3556Lys)

Gene: RYR1 (ryanodine receptor 1; plus strand). Cytogenetic location: 19q13.2.
Variant type: single nucleotide variant.
Coding change: c.10668C>A on transcript NM_000540.3 (MANE Select); coding-DNA position 10668, C replaced by A.
Protein change: p.Asn3556Lys; replaces asparagine 3556 with lysine.
Molecular consequence: missense variant.
Genome position (GRCh38, 1-based): chr19:38,527,034, C>A. VCF-style: chr19-38527034-C-A. GRCh37 (hg19) VCF-style: chr19-39017674-C-A.
Other names: c.10653C>A, p.Asn3551Lys (NM_001042723.2); short protein forms N3551K, N3556K.
Identifiers: ClinVar variation 3774691 (VCV003774691.1).